The following is an entry in ClinVar:

ClinVar aggregate classification (germline): Conflicting classifications of pathogenicity. Review status: criteria provided, conflicting classifications (1 of 4 stars). 7 submissions from 7 submitters: Uncertain significance (4); Benign (1); Likely benign (1). 1 of the submissions does not count toward it. Last evaluated 2026-06-29.

Conditions:
Inborn genetic diseases. Identifiers: MedGen C0950123, MeSH D030342.
Asphyxiating thoracic dystrophy 3. Also called: SHORT-RIB THORACIC DYSPLASIA 3 WITH OR WITHOUT POLYDACTYLY; POLYDACTYLY WITH NEONATAL CHONDRODYSTROPHY, TYPE I; SHORT-RIB THORACIC DYSPLASIA 3/6 WITH POLYDACTYLY, DIGENIC; Short rib polydactyly syndrome 2B; Saldino-Noonan Syndrome. Identifiers: Orphanet 474, Orphanet 93269, Orphanet 93270, Orphanet 93271, MedGen C0036069, MONDO:0013127, OMIM 613091.
DYNC2H1-related disorder. Also called: DYNC2H1-related disorders; DYNC2H1-related condition. Identifiers: MedGen CN378770.
Jeune thoracic dystrophy. Also called: Jeune syndrome; Infantile thoracic dystrophy; Thoracic pelvic phalangeal dystrophy; Jeune's syndrome; Chondroectodermal dysplasia-like syndrome; Short-rib thoracic dysplasia. Identifiers: Orphanet 474, MedGen C0265275, MONDO:0018770.

Allele frequency attached by ClinVar (database versions not stated): gnomAD exomes 0.00006 and 0.00015; 1000 Genomes Project 30x 0.00016; 1000 Genomes Project 0.00020; ExAC 0.00033; ESP Exome Variant Server 0.00068; gnomAD 0.00070 and 0.00076; TOPMed 0.00073.
gnomAD v4.1: 201 of 1,593,682 alleles (0.013%); highest among the groups gnomAD compares: African/African-American, 0.23%; 1 homozygote.

Submissions (7):

GeneDx
Classification: Uncertain significance. Last evaluated: 2026-06-29. Review status: criteria provided, single submitter. Criteria: GeneDx Variant Classification Process June 2021. Collection method: clinical testing. Allele origin: germline.
Comment: In silico analysis suggests that this missense variant does not alter protein structure/function; Has not been previously published as pathogenic or benign to our knowledge

Labcorp Genetics (formerly Invitae), Labcorp
Classification: Likely benign for Jeune thoracic dystrophy. Last evaluated: 2026-01-28. Review status: criteria provided, single submitter. Criteria: Invitae Variant Classification Sherloc (09022015). Collection method: clinical testing. Allele origin: germline.

Ambry Genetics
Classification: Uncertain significance for Inborn genetic diseases. Last evaluated: 2024-10-19. Review status: criteria provided, single submitter. Criteria: Ambry Variant Classification Scheme 2023. Collection method: clinical testing. Allele origin: germline.

Blueprint Genetics
Classification: Benign. Last evaluated: 2024-09-19. Review status: criteria provided, single submitter. Criteria: ACMG Guidelines, 2015. Collection method: clinical testing. Allele origin: germline.

Baylor Genetics
Classification: Uncertain significance for Asphyxiating thoracic dystrophy 3. Last evaluated: 2019-08-29. Review status: criteria provided, single submitter. Criteria: ACMG Guidelines, 2015. Collection method: clinical testing. Allele origin: unknown. Affected: yes.
Comment: This variant was determined to be of uncertain significance according to ACMG Guidelines, 2015 [PMID:25741868].

Eurofins Ntd Llc (ga)
Classification: Uncertain significance. Last evaluated: 2017-04-14. Review status: criteria provided, single submitter. Criteria: EGL Classification Definitions 2015. Collection method: clinical testing. Allele origin: germline. Observed: 3 variant alleles, 3 heterozygotes.

PreventionGenetics, part of Exact Sciences
Classification: Likely benign for DYNC2H1-related condition. Last evaluated: 2024-09-23. Review status: no assertion criteria provided. Collection method: clinical testing. Allele origin: germline. Not counted in ClinVar's aggregate classification.
Comment: This variant is classified as likely benign based on ACMG/AMP sequence variant interpretation guidelines (Richards et al. 2015 PMID: 25741868, with internal and published modifications).

NM_001377.3(DYNC2H1):c.5798A>G (p.Glu1933Gly)

Gene: DYNC2H1 (dynein cytoplasmic 2 heavy chain 1; plus strand). Cytogenetic location: 11q22.3.
Variant type: single nucleotide variant.
Coding change: c.5798A>G on transcript NM_001377.3 (MANE Select); coding-DNA position 5798, A replaced by G.
Protein change: p.Glu1933Gly; replaces glutamic acid 1933 with glycine.
Molecular consequence: missense variant.
Genome position (GRCh38, 1-based): chr11:103,176,358, A>G. VCF-style: chr11-103176358-A-G. GRCh37 (hg19) VCF-style: chr11-103047087-A-G.
Other names: c.5798A>G, p.Glu1933Gly (NM_001080463.2); short protein forms E1933G.
Identifiers: ClinVar variation 290760 (VCV000290760.20), dbSNP rs201829296, ClinGen allele CA6253835.